The following is an entry in ClinVar:

ClinVar aggregate classification (germline): Likely benign. Review status: criteria provided, multiple submitters, no conflicts (2 of 4 stars). 2 submissions from 2 submitters: Likely benign (2). Last evaluated 2025-12-01.

gnomAD v4.1: 58 of 1,612,458 alleles (0.0036%); highest among the groups gnomAD compares: East Asian, 0.025%; 1 homozygote.

Submissions (2):

CeGaT Center for Human Genetics Tuebingen
Classification: Likely benign. Last evaluated: 2025-12-01. Review status: criteria provided, single submitter. Criteria: CeGaT Center For Human Genetics Tuebingen Variant Classification Criteria Version 2. Collection method: clinical testing. Allele origin: germline. Affected: yes. Observed: 1 variant allele.
Comment: COL27A1: BP4, BP7

Labcorp Genetics (formerly Invitae), Labcorp
Classification: Likely benign. Last evaluated: 2024-02-11. Review status: criteria provided, single submitter. Criteria: Invitae Variant Classification Sherloc (09022015). Collection method: clinical testing. Allele origin: germline.

NM_032888.4(COL27A1):c.93G>A (p.Ser31=)

Gene: COL27A1 (collagen type XXVII alpha 1 chain; plus strand). Cytogenetic location: 9q32.
Variant type: single nucleotide variant.
Coding change: c.93G>A on transcript NM_032888.4 (MANE Select); coding-DNA position 93, G replaced by A.
Protein change: p.Ser31=; no amino-acid change (serine 31 retained).
Molecular consequence: synonymous variant.
Genome position (GRCh38, 1-based): chr9:114,162,745, G>A. VCF-style: chr9-114162745-G-A. GRCh37 (hg19) VCF-style: chr9-116925025-G-A.
Identifiers: ClinVar variation 1150746 (VCV001150746.14), dbSNP rs745344423, ClinGen allele CA198604365.
Genomic context (GRCh38, chr9:114,162,745, plus strand): 5'-CCGCCTCTGCTTGTGTCTCCTGGTCTCTAGGGGGTTTCTCTTCTCCTGGATCTTAGTCTC[G>A]TTTGCCTGTCACCTGGCCTCCACCCAAGGAGCTCCTGAAGGTAATTCTCTCTTCTCTTTG-3'
Protein context (NP_116277.2, residues 21-41): GGFLFSWILV[Ser31=]FACHLASTQG